The following is an entry in ClinVar:

NM_000535.7(PMS2):c.711A>G (p.Gln237=)

Gene: PMS2 (PMS1 homolog 2, mismatch repair system component; minus strand). Cytogenetic location: 7p22.1.
Variant type: single nucleotide variant.
Coding change: c.711A>G on transcript NM_000535.7 (MANE Select); coding-DNA position 711, A replaced by G.
Protein change: p.Gln237=; no amino-acid change (glutamine 237 retained).
Molecular consequence: synonymous variant. On other transcripts: 5 prime UTR variant (2), non-coding transcript variant (1).
Genome position (GRCh38, 1-based): chr7:5,997,418, T>C on the plus strand (A>G on the coding strand, the complement: PMS2 is on the minus strand). VCF-style: chr7-5997418-T-C. GRCh37 (hg19) VCF-style: chr7-6037049-T-C.
Other names: c.711A>G, p.Gln237= (NM_001322014.2, NM_001322006.2); c.402A>G, p.Gln134= (NM_001322015.2); c.-223A>G (NM_001322012.2, NM_001322011.2); c.138A>G, p.Gln46= (NM_001322013.2); c.306A>G, p.Gln102= (NM_001322003.2, NM_001322004.2, NM_001322005.2 and 2 more transcripts); c.393A>G, p.Gln131= (NM_001322007.2, NM_001322008.2).
Identifiers: ClinVar variation 411068 (VCV000411068.28), dbSNP rs368608818, ClinGen allele CA16612281.
Genomic context (GRCh38, chr7:5,997,418, plus strand): 5'-CAAACCGTACTCTTCACACACGGAGTCACTAGGGGGCAGCTGAACAAAAGGAATGAGGCT[T>C]TGCAACTGAAAAAAAAAAAAAAAAATTCACAGTTACTTCCTAATAAAGACAGAGTGGACT-3'
Protein context (NP_000526.2, residues 227-247): IGSVFGQKQL[Gln237=]SLIPFVQLPP

ClinVar aggregate classification (germline): Conflicting classifications of pathogenicity. Review status: criteria provided, conflicting classifications (1 of 4 stars). 9 submissions from 9 submitters: Uncertain significance (1); Benign (1); Likely benign (7). Last evaluated 2025-11-10.

Conditions:
Lynch syndrome. Identifiers: Orphanet 144, MedGen C4552100, MONDO:0005835. Disease mechanism: loss of function.
Lynch syndrome 4 (LYNCH4). Also called: Colorectal cancer, hereditary nonpolyposis, type 4; Hereditary non-polyposis colorectal cancer, type 4. Identifiers: Orphanet 144, MedGen C1838333, MONDO:0013699, OMIM 614337. Disease mechanism: loss of function.
Hereditary nonpolyposis colorectal neoplasms. Identifiers: MedGen C0009405, MeSH D003123.
Hereditary cancer-predisposing syndrome. Also called: Tumor predisposition; Hereditary Cancer Syndrome; Hereditary neoplastic syndrome; Neoplastic Syndromes, Hereditary. Identifiers: Orphanet 140162, MedGen C0027672, MeSH D009386, MONDO:0015356.

Allele frequency attached by ClinVar (database versions not stated): gnomAD exomes 0.00001 and 0.00003; ESP Exome Variant Server 0.00008.
gnomAD v4.1: 44 of 1,546,386 alleles (0.0028%); highest among the groups gnomAD compares: Non-Finnish European, 0.0038%; no homozygotes.

Submissions (9):

Labcorp Genetics (formerly Invitae), Labcorp
Classification: Likely benign for Hereditary nonpolyposis colorectal neoplasms. Last evaluated: 2025-11-10. Review status: criteria provided, single submitter. Criteria: Invitae Variant Classification Sherloc (09022015). Collection method: clinical testing. Allele origin: germline.

Myriad Genetics, Inc.
Classification: Likely benign for Lynch syndrome 4. Last evaluated: 2025-01-28. Review status: criteria provided, single submitter. Criteria: Myriad Autosomal Dominant, Autosomal Recessive and X-Linked Classification Criteria (2023). Collection method: clinical testing. Allele origin: unknown.
Comment: This variant is considered likely benign. This variant is a silent/synonymous amino acid change and it is not expected to impact splicing.

All of Us Research Program, National Institutes of Health
Classification: Likely benign for Lynch syndrome. Last evaluated: 2023-09-18. Review status: criteria provided, single submitter. Criteria: ACMG Guidelines, 2015. Collection method: clinical testing. Allele origin: germline. Inheritance: Autosomal dominant inheritance. Observed: 2 variant alleles, 2 heterozygotes.
Comment: This study involves interpretation of variants in research participants for the purpose of population health screening. Participant phenotype was not available at the time of variant classification. Additional details can be found in publication PMID: 35346344, PMCID: PMC8962531

Quest Diagnostics Nichols Institute San Juan Capistrano
Classification: Likely benign. Last evaluated: 2022-09-26. Review status: criteria provided, single submitter. Criteria: Quest Diagnostics criteria. Collection method: clinical testing. Allele origin: unknown.

Women's Health and Genetics/Laboratory Corporation of America, LabCorp
Classification: Likely benign. Last evaluated: 2022-02-14. Review status: criteria provided, single submitter. Criteria: LabCorp Variant Classification Summary - May 2015. Collection method: clinical testing. Allele origin: germline.

Genetic Services Laboratory, University of Chicago
Classification: Uncertain significance. Last evaluated: 2019-01-16. Review status: criteria provided, single submitter. Criteria: ACMG Guidelines, 2015. Collection method: clinical testing. Allele origin: germline. Affected: no.

Ambry Genetics
Classification: Likely benign for Hereditary cancer-predisposing syndrome. Last evaluated: 2017-07-13. Review status: criteria provided, single submitter. Criteria: Ambry Variant Classification Scheme 2023. Collection method: clinical testing. Allele origin: germline.

Color Diagnostics, LLC DBA Color Health
Classification: Likely benign for Hereditary cancer-predisposing syndrome. Last evaluated: 2016-08-12. Review status: criteria provided, single submitter. Criteria: ACMG Guidelines, 2015. Collection method: clinical testing. Allele origin: germline.

GeneDx
Classification: Benign. Last evaluated: 2015-03-03. Review status: criteria provided, single submitter. Criteria: GeneDx Variant Classification Process June 2021. Collection method: clinical testing. Allele origin: germline. Affected: yes.